The following is an entry in ClinVar:

ClinVar aggregate classification (germline): Benign/Likely benign. Review status: criteria provided, multiple submitters, no conflicts (2 of 4 stars). 8 submissions from 8 submitters: Benign (2); Likely benign (5). 1 of the submissions does not count toward it. Last evaluated 2026-02-03.

Conditions:
Inborn genetic diseases. Identifiers: MedGen C0950123, MeSH D030342.
PLCB1-related disorder. Also called: PLCB1-related condition.
Developmental and epileptic encephalopathy, 12 (DEE12). Identifiers: MedGen C3150988, MONDO:0013389, OMIM 613722.

Allele frequency attached by ClinVar (database versions not stated): gnomAD exomes 0.00025 and 0.00056; ExAC 0.00070; 1000 Genomes Project 30x 0.00156; 1000 Genomes Project 0.00160; ESP Exome Variant Server 0.00223; TOPMed 0.00225; gnomAD 0.00234 and 0.00260.
gnomAD v4.1: 729 of 1,610,098 alleles (0.045%); highest among the groups gnomAD compares: African/African-American, 0.85%; 3 homozygotes.

Submissions (8):

Labcorp Genetics (formerly Invitae), Labcorp
Classification: Benign for Developmental and epileptic encephalopathy, 12. Last evaluated: 2026-02-03. Review status: criteria provided, single submitter. Criteria: Invitae Variant Classification Sherloc (09022015). Collection method: clinical testing. Allele origin: germline.

CeGaT Center for Human Genetics Tuebingen
Classification: Likely benign. Last evaluated: 2025-11-01. Review status: criteria provided, single submitter. Criteria: CeGaT Center For Human Genetics Tuebingen Variant Classification Criteria Version 2. Collection method: clinical testing. Allele origin: germline. Affected: yes. Observed: 3 variant alleles.
Comment: PLCB1: BP4, BP7

Blueprint Genetics
Classification: Likely benign. Last evaluated: 2024-10-18. Review status: criteria provided, single submitter. Criteria: ACMG Guidelines, 2015. Collection method: clinical testing. Allele origin: germline.

GeneDx
Classification: Likely benign. Last evaluated: 2020-12-08. Review status: criteria provided, single submitter. Criteria: GeneDx Variant Classification Process June 2021. Collection method: clinical testing. Allele origin: germline. Affected: yes.

Illumina Laboratory Services, Illumina
Classification: Likely benign for Developmental and epileptic encephalopathy, 12. Last evaluated: 2018-01-13. Review status: criteria provided, single submitter. Criteria: ICSL Variant Classification Criteria 13 December 2019. Collection method: clinical testing. Allele origin: germline.
Comment: This variant was observed in the ICSL laboratory as part of a predisposition screen in an ostensibly healthy population. It had not been previously curated by ICSL or reported in the Human Gene Mutation Database (HGMD: prior to June 1st, 2018), and was therefore a candidate for classification through an automated scoring system. Utilizing variant allele frequency, disease prevalence and penetrance estimates, and inheritance mode, an automated score was calculated to assess if this variant is too frequent to cause the disease. Based on the score and internal cut-off values, a variant classified as likely benign is not then subjected to further curation. The score for this variant resulted in a classification of likely benign for this disease.

Ambry Genetics
Classification: Benign for Inborn genetic diseases. Last evaluated: 2017-06-22. Review status: criteria provided, single submitter. Criteria: Ambry Variant Classification Scheme 2023. Collection method: clinical testing. Allele origin: germline.

Genetic Services Laboratory, University of Chicago
Classification: Likely benign. Last evaluated: 2016-06-10. Review status: criteria provided, single submitter. Criteria: ACMG Guidelines, 2015. Collection method: clinical testing. Allele origin: germline. Affected: no.

PreventionGenetics, part of Exact Sciences
Classification: Likely benign for PLCB1-related condition. Last evaluated: 2019-04-10. Review status: no assertion criteria provided. Collection method: clinical testing. Allele origin: germline. Not counted in ClinVar's aggregate classification.
Comment: This variant is classified as likely benign based on ACMG/AMP sequence variant interpretation guidelines (Richards et al. 2015 PMID: 25741868, with internal and published modifications).

NM_015192.4(PLCB1):c.2673T>G (p.Pro891=)

Gene: PLCB1 (phospholipase C beta 1; plus strand). Cytogenetic location: 20p12.3.
Variant type: single nucleotide variant.
Coding change: c.2673T>G on transcript NM_015192.4 (MANE Select); coding-DNA position 2673, T replaced by G.
Protein change: p.Pro891=; no amino-acid change (proline 891 retained).
Molecular consequence: synonymous variant.
Genome position (GRCh38, 1-based): chr20:8,760,423, T>G. VCF-style: chr20-8760423-T-G. GRCh37 (hg19) VCF-style: chr20-8741070-T-G.
Other names: c.2673T>G, p.Pro891= (NM_182734.3).
Identifiers: ClinVar variation 436321 (VCV000436321.49), dbSNP rs142813933, ClinGen allele CA9760351.